The following is an entry in ClinVar:

NM_032188.3(KAT8):c.961C>G (p.Pro321Ala)

Gene: KAT8 (lysine acetyltransferase 8; plus strand). Cytogenetic location: 16p11.2.
Variant type: single nucleotide variant.
Coding change: c.961C>G on transcript NM_032188.3 (MANE Select); coding-DNA position 961, C replaced by G.
Protein change: p.Pro321Ala; replaces proline 321 with alanine.
Molecular consequence: missense variant.
Genome position (GRCh38, 1-based): chr16:31,130,315, C>G. VCF-style: chr16-31130315-C-G. GRCh37 (hg19) VCF-style: chr16-31141636-C-G.
Other names: c.961C>G, p.Pro321Ala (NM_182958.4); short protein forms P321A.
Identifiers: ClinVar variation 4687570 (VCV004687570.1).

ClinVar aggregate classification (germline): Uncertain significance (1 of 4 stars; one submission).

gnomAD v4.1: 1 of 1,614,160 alleles (0.000062%); highest among the groups gnomAD compares: Admixed American, 0.0017%; no homozygotes.

Submission:

Women's Health and Genetics/Laboratory Corporation of America, LabCorp
Classification: Uncertain significance. Last evaluated: 2025-10-06. Review status: criteria provided, single submitter. Criteria: LabCorp Variant Classification Summary - May 2015. Collection method: clinical testing. Allele origin: germline.
Comment: Variant summary: KAT8 c.961C>G (p.Pro321Ala) results in a non-conservative amino acid change in the encoded protein sequence. Algorithms developed to predict the effect of missense changes on protein structure and function all suggest that this variant is likely to be disruptive. The variant allele was found at a frequency of 4e-06 in 251462 control chromosomes. The available data on variant occurrences in the general population are insufficient to allow any conclusion about variant significance. To our knowledge, no occurrence of c.961C>G in individuals affected with KAT8-related conditions and no experimental evidence demonstrating its impact on protein function have been reported. No submitters have cited clinical-significance assessments for this variant to ClinVar. Based on the evidence outlined above, the variant was classified as uncertain significance.